The following is an entry in ClinVar:

NM_001273.5(CHD4):c.2722A>T (p.Asn908Tyr)

Gene: CHD4 (chromodomain helicase DNA binding protein 4; minus strand). Cytogenetic location: 12p13.31.
Variant type: single nucleotide variant.
Coding change: c.2722A>T on transcript NM_001273.5 (MANE Select); coding-DNA position 2722, A replaced by T.
Protein change: p.Asn908Tyr; replaces asparagine 908 with tyrosine.
Molecular consequence: missense variant.
Genome position (GRCh38, 1-based): chr12:6,592,748, T>A on the plus strand (A>T on the coding strand, the complement: CHD4 is on the minus strand). VCF-style: chr12-6592748-T-A. GRCh37 (hg19) VCF-style: chr12-6701914-T-A.
Other names: c.2701A>T, p.Asn901Tyr (NM_001297553.2); c.2683A>T, p.Asn895Tyr (NM_001363606.2); short protein forms N895Y, N901Y, N908Y.
Identifiers: ClinVar variation 1334548 (VCV001334548.4), dbSNP rs2136214701, ClinGen allele CA383589162.
Genomic context (GRCh38, chr12:6,592,748, plus strand): 5'-ATACTTACTGGAACCTCTCGGGGGTGAGAAAGTTGAGCAGATGAAACAACTCTTCCAGAT[T>A]GTTTTGTAATGGTGTCCCAGTCAGCAACAGCTTGTGCTGGAGTGAGTAACCATTCAATAC-3'
Protein context (NP_001264.2, residues 898-918): LLLTGTPLQN[Asn908Tyr]LEELFHLLNF

ClinVar aggregate classification (germline): Uncertain significance (1 of 4 stars; one submission).

Submission:

Greenwood Genetic Center Diagnostic Laboratories, Greenwood Genetic Center
Classification: Uncertain significance. Last evaluated: 2021-08-23. Review status: criteria provided, single submitter. Criteria: ACMG Guidelines, 2015. Collection method: clinical testing. Allele origin: germline. Affected: yes.
Comment: PP2, PP3, PM2